The following is an entry in ClinVar:

NM_000059.4(BRCA2):c.1718C>T (p.Ala573Val)

Gene: BRCA2 (BRCA2 DNA repair associated; plus strand). Cytogenetic location: 13q13.1.
Variant type: single nucleotide variant.
Coding change: c.1718C>T on transcript NM_000059.4 (MANE Select); coding-DNA position 1718, C replaced by T.
Protein change: p.Ala573Val; replaces alanine 573 with valine.
Molecular consequence: missense variant.
Genome position (GRCh38, 1-based): chr13:32,333,196, C>T. VCF-style: chr13-32333196-C-T. GRCh37 (hg19) VCF-style: chr13-32907333-C-T.
Other names: short protein forms A573V.
Identifiers: ClinVar variation 659847 (VCV000659847.14), dbSNP rs1262187089, ClinGen allele CA387765332.

ClinVar aggregate classification (germline): Conflicting classifications of pathogenicity. Review status: criteria provided, conflicting classifications (1 of 4 stars). 4 submissions from 4 submitters: Uncertain significance (2); Likely benign (2). Last evaluated 2025-05-14.

Conditions:
Hereditary cancer-predisposing syndrome. Also called: Neoplastic Syndromes, Hereditary; Hereditary neoplastic syndrome; Hereditary Cancer Syndrome; Tumor predisposition. Identifiers: Orphanet 140162, MedGen C0027672, MeSH D009386, MONDO:0015356.
Breast-ovarian cancer, familial, susceptibility to, 2 (BROVCA2). Also called: BRCA2 Hereditary Breast and Ovarian Cancer. Identifiers: Orphanet 145, MedGen C2675520, MONDO:0012933, OMIM 612555. Disease mechanism: loss of function.
Hereditary breast ovarian cancer syndrome. Also called: Hereditary breast and ovarian cancer; Breast and ovarian cancer; BRCA1- and BRCA2-Associated Hereditary Breast and Ovarian Cancer; Hereditary breast and ovarian cancer syndrome (HBOC); Hereditary breast and/or ovarian cancer syndrome; Hereditary breast and ovarian cancer syndrome. Identifiers: Orphanet 145, MedGen C0677776, MeSH D061325, MONDO:0003582. Disease mechanism: loss of function.

Submissions (4):

Ambry Genetics
Classification: Likely benign for Hereditary cancer-predisposing syndrome. Last evaluated: 2025-05-14. Review status: criteria provided, single submitter. Criteria: Ambry Variant Classification Scheme 2023. Collection method: clinical testing. Allele origin: germline.

Labcorp Genetics (formerly Invitae), Labcorp
Classification: Uncertain significance for Hereditary breast ovarian cancer syndrome. Last evaluated: 2024-11-25. Review status: criteria provided, single submitter. Criteria: Invitae Variant Classification Sherloc (09022015). Collection method: clinical testing. Allele origin: germline.
Comment: This sequence change replaces alanine, which is neutral and non-polar, with valine, which is neutral and non-polar, at codon 573 of the BRCA2 protein (p.Ala573Val). This variant is not present in population databases (gnomAD no frequency). This variant has not been reported in the literature in individuals affected with BRCA2-related conditions. ClinVar contains an entry for this variant (Variation ID: 659847). Invitae Evidence Modeling of protein sequence and biophysical properties (such as structural, functional, and spatial information, amino acid conservation, physicochemical variation, residue mobility, and thermodynamic stability) indicates that this missense variant is not expected to disrupt BRCA2 protein function with a negative predictive value of 95%. In summary, the available evidence is currently insufficient to determine the role of this variant in disease. Therefore, it has been classified as a Variant of Uncertain Significance.

All of Us Research Program, National Institutes of Health
Classification: Uncertain significance for Breast-ovarian cancer, familial, susceptibility to, 2. Last evaluated: 2023-05-31. Review status: criteria provided, single submitter. Criteria: ACMG Guidelines, 2015. Collection method: clinical testing. Allele origin: germline. Inheritance: Autosomal dominant inheritance. Observed: 1 variant allele, 1 heterozygote.
Comment: This study involves interpretation of variants in research participants for the purpose of population health screening. Participant phenotype was not available at the time of variant classification. Additional details can be found in publication PMID: 35346344, PMCID: PMC8962531

University of Washington Department of Laboratory Medicine, University of Washington
Classification: Likely benign for Hereditary cancer-predisposing syndrome. Last evaluated: 2023-03-23. Review status: criteria provided, single submitter. Criteria: Dines et al. (Genet Med. 2020). Collection method: curation. Allele origin: germline.
Comment: Missense variant in a coldspot region where missense variants are very unlikely to be pathogenic (PMID:31911673).

BRCA2 exon 10 coldspot. Reclassification based on statistical prior probability.

Literature cited by the submitters: PubMed 33471991 (cited by Ambry Genetics).